The following is an entry in ClinVar:

NM_021008.4(DEAF1):c.593T>C (p.Val198Ala)

Gene: DEAF1 (DEAF1 transcription factor; minus strand). Cytogenetic location: 11p15.5.
Variant type: single nucleotide variant.
Coding change: c.593T>C on transcript NM_021008.4 (MANE Select); coding-DNA position 593, T replaced by C.
Protein change: p.Val198Ala; replaces valine 198 with alanine.
Molecular consequence: missense variant. On other transcripts: 5 prime UTR variant (4).
Genome position (GRCh38, 1-based): chr11:687,982, A>G on the plus strand (T>C on the coding strand, the complement: DEAF1 is on the minus strand). VCF-style: chr11-687982-A-G. GRCh37 (hg19) VCF-style: chr11-687982-A-G.
Other names: c.593T>C, p.Val198Ala (NM_001293634.2, NM_001440883.1, NM_001440884.1); c.-134T>C (NM_001367390.1, NM_001440885.1, NM_001440886.1 and 1 more transcripts); short protein forms V198A.
Identifiers: ClinVar variation 4703242 (VCV004703242.1).

ClinVar aggregate classification (germline): Uncertain significance (1 of 4 stars; one submission).

gnomAD v4.1: 2 of 1,614,152 alleles (0.00012%); highest among the groups gnomAD compares: Non-Finnish European, 0.00017%; no homozygotes.

Submission:

Labcorp Genetics (formerly Invitae), Labcorp
Classification: Uncertain significance. Last evaluated: 2025-05-11. Review status: criteria provided, single submitter. Criteria: Invitae Variant Classification Sherloc (09022015). Collection method: clinical testing. Allele origin: germline.
Comment: This sequence change replaces valine, which is neutral and non-polar, with alanine, which is neutral and non-polar, at codon 198 of the DEAF1 protein (p.Val198Ala). This variant is not present in population databases (gnomAD no frequency). This variant has not been reported in the literature in individuals affected with DEAF1-related conditions. An algorithm developed to predict the effect of missense changes on protein structure and function outputs the following: PolyPhen-2: "Benign". The alanine amino acid residue is found in multiple mammalian species, which suggests that this missense change does not adversely affect protein function. In summary, the available evidence is currently insufficient to determine the role of this variant in disease. Therefore, it has been classified as a Variant of Uncertain Significance.